The following is an entry in ClinVar:

ClinVar aggregate classification (germline): Uncertain significance. Review status: criteria provided, multiple submitters, no conflicts (2 of 4 stars). 2 submissions from 2 submitters: Uncertain significance (2). Last evaluated 2025-04-09.

Conditions:
Inborn genetic diseases. Identifiers: MedGen C0950123, MeSH D030342.

Allele frequency attached by ClinVar (database versions not stated): gnomAD exomes below 0.00001; gnomAD 0.00001; TOPMed 0.00002.
gnomAD v4.1: 3 of 1,610,654 alleles (0.00019%); highest among the groups gnomAD compares: Non-Finnish European, 0.00025%; no homozygotes.

Submissions (2):

Ambry Genetics
Classification: Uncertain significance for Inborn genetic diseases. Last evaluated: 2025-04-09. Review status: criteria provided, single submitter. Criteria: Ambry Variant Classification Scheme 2023. Collection method: clinical testing. Allele origin: germline.

Labcorp Genetics (formerly Invitae), Labcorp
Classification: Uncertain significance. Last evaluated: 2023-12-12. Review status: criteria provided, single submitter. Criteria: Invitae Variant Classification Sherloc (09022015). Collection method: clinical testing. Allele origin: germline.
Comment: This sequence change replaces alanine, which is neutral and non-polar, with threonine, which is neutral and polar, at codon 1074 of the CYFIP2 protein (p.Ala1074Thr). This variant is not present in population databases (gnomAD no frequency). This variant has not been reported in the literature in individuals affected with CYFIP2-related conditions. Experimental studies and prediction algorithms are not available or were not evaluated, and the functional significance of this variant is currently unknown. In summary, the available evidence is currently insufficient to determine the role of this variant in disease. Therefore, it has been classified as a Variant of Uncertain Significance.

NM_001037333.3(CYFIP2):c.3220G>A (p.Ala1074Thr)

Genes: CYFIP2 (cytoplasmic FMR1 interacting protein 2; plus strand), NIPAL4-DT (NIPAL4 divergent transcript; minus strand). Cytogenetic location: 5q33.3.
Variant type: single nucleotide variant.
Coding change: c.3220G>A on transcript NM_001037333.3 (MANE Select); coding-DNA position 3220, G replaced by A.
Protein change: p.Ala1074Thr; replaces alanine 1074 with threonine.
Molecular consequence: missense variant.
Genome position (GRCh38, 1-based): chr5:157,389,201, G>A. VCF-style: chr5-157389201-G-A. GRCh37 (hg19) VCF-style: chr5-156816209-G-A.
Other names: c.3220G>A (NM_001037333.1); c.3142G>A, p.Ala1048Thr (NM_001291721.2); c.3295G>A, p.Ala1099Thr (NM_001291722.2); c.3220G>A, p.Ala1074Thr (NM_014376.4); short protein forms A1074T, A1099T, A1048T.
Identifiers: ClinVar variation 2779278 (VCV002779278.4), dbSNP rs1420701830, ClinGen allele CA361981892.